The following is an entry in ClinVar:

ClinVar aggregate classification (germline): Likely pathogenic (1 of 4 stars; one submission).

Conditions:
Cardiovascular phenotype. Identifiers: MedGen CN230736.

Submission:

Ambry Genetics
Classification: Likely pathogenic for Cardiovascular phenotype. Last evaluated: 2024-03-01. Review status: criteria provided, single submitter. Criteria: Ambry Variant Classification Scheme 2023. Collection method: clinical testing. Allele origin: germline.
Comment: The c.60377dupC variant, located in coding exon 155 of the TTN gene, results from a duplication of C at nucleotide position 60377, causing a translational frameshift with a predicted alternate stop codon (p.V20127Sfs*31). This exon is located in the A-band region of the N2-B isoform of the titin protein and is constitutively expressed in TTN transcripts (percent spliced in or PSI 100%). This alteration is expected to result in loss of function by premature protein truncation or nonsense-mediated mRNA decay. While truncating variants in TTN are present in 1-3% of the general population, truncating variants in the A-band are the most common cause of dilated cardiomyopathy (DCM) (Herman DS et al. N. Engl. J. Med., 2012 Feb;366:619-28; Roberts AM et al. Sci Transl Med, 2015 Jan;7:270ra6). TTN truncating variants encoded in constitutive exons (PSI >90%) have been found to be significantly associated with DCM regardless of their position in titin (Schafer S et al. Nat. Genet., 2017 01;49:46-53). This variant is considered to be rare based on population cohorts in the Genome Aggregation Database (gnomAD). Based on the majority of available evidence to date, this variant is likely to be pathogenic.

NM_001267550.2(TTN):c.87572dup (p.Val29192fs)

Genes: TTN (titin; minus strand), TTN-AS1 (TTN antisense RNA 1; plus strand). Cytogenetic location: 2q31.2.
Variant type: Duplication.
Coding change: c.87572dup on transcript NM_001267550.2 (MANE Select); coding-DNA position 87572, one base duplicated (C; older notation c.87572dupC).
Protein change: p.Val29192fs; shifts the reading frame from valine 29192.
Molecular consequence: frameshift variant.
Genome position (GRCh38, 1-based): chr2:178,557,782, G duplicated on the plus strand (C on the coding strand, the reverse complement: TTN is on the minus strand). VCF-style (leftmost placement, unchanged base first): chr2-178557781-T-TG. GRCh37 (hg19) VCF-style: chr2-179422508-T-TG.
Other names: c.82649dup, p.Val27551fs (NM_001256850.1); c.60377dup, p.Val20127fs (NM_003319.4); c.79868dup, p.Val26624fs (NM_133378.4); c.60752dup, p.Val20252fs (NM_133432.3); c.60953dup, p.Val20319fs (NM_133437.4); c.60377dupC (NM_003319.4); short protein forms V20127fs, V20252fs, V20319fs, V26624fs, V27551fs, V29192fs.
Identifiers: ClinVar variation 3223320 (VCV003223320.1), dbSNP rs2469544518, ClinGen allele CA2825001017.